The following is an entry in ClinVar:

NM_000051.4(ATM):c.2251-11A>G

Gene: ATM (ATM serine/threonine kinase; plus strand). Cytogenetic location: 11q22.3.
Variant type: single nucleotide variant.
Coding change: c.2251-11A>G on transcript NM_000051.4 (MANE Select); 11 bases into the intron before coding-DNA position 2251, A replaced by G.
Molecular consequence: intron variant.
Genome position (GRCh38, 1-based): chr11:108,257,470, A>G. VCF-style: chr11-108257470-A-G. GRCh37 (hg19) VCF-style: chr11-108128197-A-G.
Other names: c.2251-11A>G (NM_001351834.2).
Identifiers: ClinVar variation 924973 (VCV000924973.11), dbSNP rs755369461, ClinGen allele CA6264987.

ClinVar aggregate classification (germline): Likely benign. Review status: criteria provided, multiple submitters, no conflicts (2 of 4 stars). 3 submissions from 3 submitters: Likely benign (3). Last evaluated 2025-12-10.

Conditions:
Hereditary cancer-predisposing syndrome. Also called: Hereditary Cancer Syndrome; Hereditary neoplastic syndrome; Neoplastic Syndromes, Hereditary; Tumor predisposition. Identifiers: Orphanet 140162, MedGen C0027672, MeSH D009386, MONDO:0015356.
Familial cancer of breast. Also called: hereditary breast carcinoma; BREAST CANCER, FAMILIAL; Hereditary breast cancer. Identifiers: Orphanet 227535, MedGen C0346153, MONDO:0016419, OMIM 114480. Disease mechanism: loss of function.
Ataxia-telangiectasia syndrome (AT). Also called: Ataxia-telangiectasia, complementation group E; LOUIS-BAR SYNDROME; Cerebello-oculocutaneous telangiectasia; Immunodeficiency with ataxia telangiectasia; Ataxia-telangiectasia, complementation group D; AT, COMPLEMENTATION GROUP C. Identifiers: Orphanet 100, MedGen C0004135, MONDO:0008840, OMIM 208900.

Allele frequency attached by ClinVar (database versions not stated): gnomAD exomes 0.00001; ExAC 0.00002.
gnomAD v4.1: 8 of 1,612,052 alleles (0.0005%); highest among the groups gnomAD compares: East Asian, 0.0067%; no homozygotes.

Submissions (3):

Labcorp Genetics (formerly Invitae), Labcorp
Classification: Likely benign for Ataxia-telangiectasia syndrome. Last evaluated: 2025-12-10. Review status: criteria provided, single submitter. Criteria: Invitae Variant Classification Sherloc (09022015). Collection method: clinical testing. Allele origin: germline.

Myriad Genetics, Inc.
Classification: Likely benign for Familial cancer of breast. Last evaluated: 2024-05-08. Review status: criteria provided, single submitter. Criteria: Myriad Autosomal Dominant, Autosomal Recessive and X-Linked Classification Criteria (2023). Collection method: clinical testing. Allele origin: unknown.
Comment: This variant is considered likely benign. This variant is intronic and is not expected to impact mRNA splicing.

Color Diagnostics, LLC DBA Color Health
Classification: Likely benign for Hereditary cancer-predisposing syndrome. Last evaluated: 2019-05-15. Review status: criteria provided, single submitter. Criteria: ACMG Guidelines, 2015. Collection method: clinical testing. Allele origin: germline.